The following is an entry in ClinVar:

ClinVar aggregate classification (germline): Uncertain significance. Review status: criteria provided, multiple submitters, no conflicts (2 of 4 stars). 2 submissions from 2 submitters: Uncertain significance (2). Last evaluated 2025-05-24.

Conditions:
Inborn genetic diseases. Identifiers: MedGen C0950123, MeSH D030342.

gnomAD v4.1: 12 of 1,614,044 alleles (0.00074%); highest among the groups gnomAD compares: Non-Finnish European, 0.001%; no homozygotes.

Submissions (2):

Ambry Genetics
Classification: Uncertain significance for Inborn genetic diseases. Last evaluated: 2025-05-24. Review status: criteria provided, single submitter. Criteria: Ambry Variant Classification Scheme 2023. Collection method: clinical testing. Allele origin: germline.
Comment: The p.L312P variant (also known as c.935T>C), located in coding exon 10 of the RTEL1 gene, results from a T to C substitution at nucleotide position 935. The leucine at codon 312 is replaced by proline, an amino acid with similar properties. This amino acid position is conserved. In addition, the in silico prediction for this alteration is inconclusive. Based on the available evidence, the clinical significance of this variant remains unclear.

Blueprint Genetics
Classification: Uncertain significance. Last evaluated: 2022-11-14. Review status: criteria provided, single submitter. Criteria: ACMG Guidelines, 2015. Collection method: clinical testing. Allele origin: germline.

NM_001283009.2(RTEL1):c.935T>C (p.Leu312Pro)

Genes: RTEL1 (regulator of telomere elongation helicase 1; plus strand), RTEL1-TNFRSF6B (RTEL1-TNFRSF6B readthrough (NMD candidate); plus strand). Cytogenetic location: 20q13.33.
Variant type: single nucleotide variant.
Coding change: c.935T>C on transcript NM_001283009.2 (MANE Select); coding-DNA position 935, T replaced by C.
Protein change: p.Leu312Pro; replaces leucine 312 with proline.
Molecular consequence: missense variant. On other transcripts: non-coding transcript variant (1).
Genome position (GRCh38, 1-based): chr20:63,678,160, T>C. VCF-style: chr20-63678160-T-C. GRCh37 (hg19) VCF-style: chr20-62309513-T-C.
Other names: c.266T>C, p.Leu89Pro (NM_001283010.1); c.935T>C, p.Leu312Pro (NM_016434.4); c.1007T>C, p.Leu336Pro (NM_032957.5); short protein forms L312P, L89P, L336P.
Identifiers: ClinVar variation 3948416 (VCV003948416.2).
Genomic context (GRCh38, chr20:63,678,160, plus strand): 5'-CACGAGCGTGATGCAGACTGCCTTTGCTGCCTTTCTCTTGCCCAGGGCTGAACATGGAGC[T>C]GGAAGACATTGCAAAGCTGAAGAGTAAGTGTTGCCCTCCCCGCCTCCTTGCAGCTGGGTG-3'
Protein context (NP_001269938.1, residues 302-322): DSPSPGLNME[Leu312Pro]EDIAKLKMIL